The following is an entry in ClinVar:

ClinVar aggregate classification (germline): Uncertain significance (1 of 4 stars; one submission).

Allele frequency attached by ClinVar (database versions not stated): TOPMed 0.00001.
gnomAD v4.1: 1 of 1,614,072 alleles (0.000062%); highest among the groups gnomAD compares: Admixed American, 0.0017%; no homozygotes.

Submission:

Labcorp Genetics (formerly Invitae), Labcorp
Classification: Uncertain significance. Last evaluated: 2022-02-02. Review status: criteria provided, single submitter. Criteria: Invitae Variant Classification Sherloc (09022015). Collection method: clinical testing. Allele origin: germline.
Comment: In summary, the available evidence is currently insufficient to determine the role of this variant in disease. Therefore, it has been classified as a Variant of Uncertain Significance. Algorithms developed to predict the effect of missense changes on protein structure and function (SIFT, PolyPhen-2, Align-GVGD) all suggest that this variant is likely to be tolerated. This variant has not been reported in the literature in individuals affected with USH2A-related conditions. This variant is present in population databases (no rsID available, gnomAD 0.003%). This sequence change replaces methionine, which is neutral and non-polar, with leucine, which is neutral and non-polar, at codon 899 of the USH2A protein (p.Met899Leu).

NM_206933.4(USH2A):c.2695A>T (p.Met899Leu)

Genes: USH2A (usherin; minus strand), LOC122152296 (Sharpr-MPRA regulatory region 8762; plus strand). Cytogenetic location: 1q41.
Variant type: single nucleotide variant.
Coding change: c.2695A>T on transcript NM_206933.4 (MANE Select); coding-DNA position 2695, A replaced by T.
Protein change: p.Met899Leu; replaces methionine 899 with leucine.
Molecular consequence: missense variant.
Genome position (GRCh38, 1-based): chr1:216,246,699, T>A on the plus strand (A>T on the coding strand, the complement: USH2A is on the minus strand). VCF-style: chr1-216246699-T-A. GRCh37 (hg19) VCF-style: chr1-216420041-T-A.
Other names: c.2695A>T, p.Met899Leu (NM_007123.6); short protein forms M899L.
Identifiers: ClinVar variation 1356073 (VCV001356073.8), dbSNP rs755306976, ClinGen allele CA344864235.